The following is an entry in ClinVar:

ClinVar aggregate classification (germline): Uncertain significance (1 of 4 stars; one submission).

Conditions:
MHC class I deficiency. Identifiers: Orphanet 34592, MedGen C6024714, MONDO:0011476.

Allele frequency attached by ClinVar (database versions not stated): TOPMed below 0.00001; gnomAD exomes 0.00002; ExAC 0.00005.
gnomAD v4.1: 14 of 1,609,506 alleles (0.00087%); highest among the groups gnomAD compares: Admixed American, 0.018%; no homozygotes.

Submission:

Labcorp Genetics (formerly Invitae), Labcorp
Classification: Uncertain significance for MHC class I deficiency 1. Last evaluated: 2022-04-19. Review status: criteria provided, single submitter. Criteria: Invitae Variant Classification Sherloc (09022015). Collection method: clinical testing. Allele origin: germline.
Comment: This sequence change replaces methionine, which is neutral and non-polar, with valine, which is neutral and non-polar, at codon 93 of the TAPBP protein (p.Met93Val). This variant is present in population databases (rs768120968, gnomAD 0.02%). This variant has not been reported in the literature in individuals affected with TAPBP-related conditions. Algorithms developed to predict the effect of missense changes on protein structure and function (SIFT, PolyPhen-2, Align-GVGD) all suggest that this variant is likely to be tolerated. Algorithms developed to predict the effect of sequence changes on RNA splicing suggest that this variant may create or strengthen a splice site. In summary, the available evidence is currently insufficient to determine the role of this variant in disease. Therefore, it has been classified as a Variant of Uncertain Significance.

NM_003190.5(TAPBP):c.277A>G (p.Met93Val)

Gene: TAPBP (TAP binding protein; minus strand). Cytogenetic location: 6p21.32.
Variant type: single nucleotide variant.
Coding change: c.277A>G on transcript NM_003190.5 (MANE Select); coding-DNA position 277, A replaced by G.
Protein change: p.Met93Val; replaces methionine 93 with valine.
Molecular consequence: missense variant. On other transcripts: intron variant (1).
Genome position (GRCh38, 1-based): chr6:33,313,409, T>C on the plus strand (A>G on the coding strand, the complement: TAPBP is on the minus strand). VCF-style: chr6-33313409-T-C. GRCh37 (hg19) VCF-style: chr6-33281186-T-C.
Other names: c.277A>G, p.Met93Val (NM_001410875.1, NM_172208.3); c.208+285A>G (NM_172209.3); short protein forms M93V.
Identifiers: ClinVar variation 1984700 (VCV001984700.4), dbSNP rs768120968, ClinGen allele CA3755921.